The following is an entry in ClinVar:

NM_001267550.2(TTN):c.52881T>C (p.Arg17627=)

Genes: TTN-AS1 (TTN antisense RNA 1; plus strand), TTN (titin; minus strand), LOC126806425 (BRD4-independent group 4 enhancer GRCh37_chr2:179471933-179473132; plus strand). Cytogenetic location: 2q31.2.
Variant type: single nucleotide variant.
Coding change: c.52881T>C on transcript NM_001267550.2 (MANE Select); coding-DNA position 52881, T replaced by C.
Protein change: p.Arg17627=; no amino-acid change (arginine 17627 retained).
Molecular consequence: synonymous variant.
Genome position (GRCh38, 1-based): chr2:178,607,906, A>G on the plus strand (T>C on the coding strand, the complement: TTN is on the minus strand). VCF-style: chr2-178607906-A-G. GRCh37 (hg19) VCF-style: chr2-179472633-A-G.
Other names: c.47958T>C, p.Arg15986= (NM_001256850.1); c.25686T>C, p.Arg8562= (NM_003319.4); c.45177T>C, p.Arg15059= (NM_133378.4); c.26061T>C, p.Arg8687= (NM_133432.3); c.26262T>C, p.Arg8754= (NM_133437.4).
Identifiers: ClinVar variation 1080884 (VCV001080884.10), dbSNP rs772763911, ClinGen allele CA60982711.

ClinVar aggregate classification (germline): Likely benign. Review status: criteria provided, multiple submitters, no conflicts (2 of 4 stars). 3 submissions from 3 submitters: Likely benign (3). Last evaluated 2025-04-09.

Conditions:
Cardiovascular phenotype. Identifiers: MedGen CN230736.
Dilated cardiomyopathy 1G (CMD1G). Identifiers: Orphanet 154, MedGen C1858763, MONDO:0011400, OMIM 604145.
Autosomal recessive limb-girdle muscular dystrophy type 2J (LGMDR10). Also called: MUSCULAR DYSTROPHY, LIMB-GIRDLE, AUTOSOMAL RECESSIVE 10; Limb-girdle muscular dystrophy, type 2J. Identifiers: Orphanet 140922, MedGen C1837342, MONDO:0012127, OMIM 608807.

Allele frequency attached by ClinVar (database versions not stated): gnomAD exomes below 0.00001; TOPMed 0.00002.
gnomAD v4.1: 4 of 1,613,002 alleles (0.00025%); highest among the groups gnomAD compares: Non-Finnish European, 0.000085%; no homozygotes.

Submissions (3):

Molecular Diagnostic Laboratory for Inherited Cardiovascular Disease, Montreal Heart Institute
Classification: Likely benign. Last evaluated: 2025-04-09. Review status: criteria provided, single submitter. Criteria: ACMG Guidelines, 2015. Collection method: clinical testing. Allele origin: germline. Affected: no.
Comment: BP6;BP7

Labcorp Genetics (formerly Invitae), Labcorp
Classification: Likely benign for Dilated cardiomyopathy 1G; Autosomal recessive limb-girdle muscular dystrophy type 2J. Last evaluated: 2022-07-26. Review status: criteria provided, single submitter. Criteria: Invitae Variant Classification Sherloc (09022015). Collection method: clinical testing. Allele origin: germline.

Ambry Genetics
Classification: Likely benign for Cardiovascular phenotype. Last evaluated: 2019-04-09. Review status: criteria provided, single submitter. Criteria: Ambry Variant Classification Scheme 2023. Collection method: clinical testing. Allele origin: germline.